The following is an entry in ClinVar:

ClinVar aggregate classification (germline): Likely benign. Review status: criteria provided, multiple submitters, no conflicts (2 of 4 stars). 2 submissions from 2 submitters: Likely benign (2). Last evaluated 2018-01-12.

Conditions:
Alzheimer disease. Also called: Presenile and senile dementia; Alzheimer's disease. Identifiers: Orphanet 1020, MedGen C0002395, MeSH D000544, MONDO:0004975, HP:0002511.

Allele frequency attached by ClinVar (database versions not stated): 1000 Genomes Project 0.00040; 1000 Genomes Project 30x 0.00062; gnomAD 0.00093 and 0.00100; TOPMed 0.00114.

Submissions (2):

Illumina Laboratory Services, Illumina
Classification: Likely benign for Alzheimer disease type 1. Last evaluated: 2018-01-12. Review status: criteria provided, single submitter. Criteria: ICSL Variant Classification Criteria 13 December 2019. Collection method: clinical testing. Allele origin: germline.
Comment: This variant was observed in the ICSL laboratory as part of a predisposition screen in an ostensibly healthy population. It had not been previously curated by ICSL or reported in the Human Gene Mutation Database (HGMD: prior to June 1st, 2018), and was therefore a candidate for classification through an automated scoring system. Utilizing variant allele frequency, disease prevalence and penetrance estimates, and inheritance mode, an automated score was calculated to assess if this variant is too frequent to cause the disease. Based on the score and internal cut-off values, a variant classified as likely benign is not then subjected to further curation. The score for this variant resulted in a classification of likely benign for this disease.

Breakthrough Genomics
Classification: Likely benign. Review status: criteria provided, single submitter. Criteria: ACMG Guidelines, 2015. Collection method: not provided. Allele origin: germline. Inheritance: Autosomal dominant inheritance. Affected: yes.

NM_000484.4(APP):c.*624A>G

Gene: APP (amyloid beta precursor protein; minus strand). Cytogenetic location: 21q21.3.
Variant type: single nucleotide variant.
Coding change: c.*624A>G on transcript NM_000484.4 (MANE Select); 624 bases downstream of the stop codon, A replaced by G.
Molecular consequence: 3 prime UTR variant.
Genome position (GRCh38, 1-based): chr21:25,881,046, T>C on the plus strand (A>G on the coding strand, the complement: APP is on the minus strand). VCF-style: chr21-25881046-T-C. GRCh37 (hg19) VCF-style: chr21-27253357-T-C.
Other names: c.*624A>G (NM_001136016.3, NM_001136129.3, NM_001136130.3 and 7 more transcripts).
Identifiers: ClinVar variation 896306 (VCV000896306.5), dbSNP rs199680232, ClinGen allele CA319553073.
Genomic context (GRCh38, chr21:25,881,046, plus strand): 5'-TTATCAAAGACCCAAAGATACGTGGACAAAAAAAGAAAAGCTTGAAGTCTCAATGCCTAA[T>C]GTGTGCACATAAAACAGGCACGAAGAAACAAACGTGTGTATCCTCTTAATTCCTATATCA-3'